The following is an entry in ClinVar:

NM_000018.4(ACADVL):c.204+4G>C

Gene: ACADVL (acyl-CoA dehydrogenase very long chain; plus strand). Cytogenetic location: 17p13.1.
Variant type: single nucleotide variant.
Coding change: c.204+4G>C on transcript NM_000018.4 (MANE Select); 4 bases into the intron after coding-DNA position 204, G replaced by C.
Molecular consequence: intron variant.
Genome position (GRCh38, 1-based): chr17:7,220,533, G>C. VCF-style: chr17-7220533-G-C. GRCh37 (hg19) VCF-style: chr17-7123852-G-C.
Other names: c.273+4G>C (NM_001270447.2); c.-25+4G>C (NM_001270448.2); c.139-71G>C (NM_001033859.3).
Identifiers: ClinVar variation 654114 (VCV000654114.6), dbSNP rs764767909, ClinGen allele CA8337584.

ClinVar aggregate classification (germline): Uncertain significance (1 of 4 stars; one submission).

Conditions:
Very long chain acyl-CoA dehydrogenase deficiency (ACADVLD). Also called: Very Long-Chain Acyl-Coenzyme A Dehydrogenase Deficiency; VLCAD Deficiency. Identifiers: Orphanet 26793, MedGen C3887523, MONDO:0008723, OMIM 201475.

Allele frequency attached by ClinVar (database versions not stated): ExAC 0.00001; gnomAD 0.00001; gnomAD exomes 0.00001; TOPMed 0.00002.
gnomAD v4.1: 5 of 1,614,132 alleles (0.00031%); highest among the groups gnomAD compares: Non-Finnish European, 0.00042%; no homozygotes.

Submission:

Labcorp Genetics (formerly Invitae), Labcorp
Classification: Uncertain significance for Very long chain acyl-CoA dehydrogenase deficiency. Last evaluated: 2021-08-31. Review status: criteria provided, single submitter. Criteria: Invitae Variant Classification Sherloc (09022015). Collection method: clinical testing. Allele origin: germline.
Comment: This sequence change falls in intron 3 of the ACADVL gene. It does not directly change the encoded amino acid sequence of the ACADVL protein. It affects a nucleotide within the consensus splice site of the intron. This variant is present in population databases (rs764767909, ExAC 0.001%). This variant has not been reported in the literature in individuals affected with ACADVL-related conditions. Variants that disrupt the consensus splice site are a relatively common cause of aberrant splicing (PMID: 17576681, 9536098). Algorithms developed to predict the effect of sequence changes on RNA splicing suggest that this variant is not likely to affect RNA splicing. In summary, the available evidence is currently insufficient to determine the role of this variant in disease. Therefore, it has been classified as a Variant of Uncertain Significance.

Literature cited by the submitters: PubMed 17576681; PubMed 9536098.